The following is an entry in ClinVar:

ClinVar aggregate classification (germline): Uncertain significance (1 of 4 stars; one submission).

Conditions:
Developmental and epileptic encephalopathy 94 (DEE94). Also called: Epileptic encephalopathy, childhood-onset; CHD2-Related Neurodevelopmental Disorders. Identifiers: Orphanet 1942, Orphanet 2382, MedGen C3809278, MONDO:0014150, OMIM 615369.

Submission:

Baylor Genetics
Classification: Uncertain significance for Developmental and epileptic encephalopathy 94. Last evaluated: 2019-08-08. Review status: criteria provided, single submitter. Criteria: ACMG Guidelines, 2015. Collection method: clinical testing. Allele origin: unknown. Affected: yes.
Comment: This variant was determined to be of uncertain significance according to ACMG Guidelines, 2015 [PMID:25741868].

NM_001271.4(CHD2):c.4892A>C (p.His1631Pro)

Gene: CHD2 (chromodomain helicase DNA binding protein 2; plus strand). Cytogenetic location: 15q26.1.
Variant type: single nucleotide variant.
Coding change: c.4892A>C on transcript NM_001271.4 (MANE Select); coding-DNA position 4892, A replaced by C.
Protein change: p.His1631Pro; replaces histidine 1631 with proline.
Molecular consequence: missense variant.
Genome position (GRCh38, 1-based): chr15:93,014,895, A>C. VCF-style: chr15-93014895-A-C. GRCh37 (hg19) VCF-style: chr15-93558125-A-C.
Other names: short protein forms H1631P.
Identifiers: ClinVar variation 1029270 (VCV001029270.1), dbSNP rs2054438338, ClinGen allele CA393906927.